The following is an entry in ClinVar:

ClinVar aggregate classification (germline): Conflicting classifications of pathogenicity. Review status: criteria provided, conflicting classifications (1 of 4 stars). 12 submissions from 10 submitters: Uncertain significance (1); Benign (5); Likely benign (5). 1 of the submissions does not count toward it. Last evaluated 2026-02-02.

Conditions:
DE SANCTIS-CACCHIONE SYNDROME. Identifiers: MedGen C0265201, MONDO:0010217, OMIM 278800.
Cerebrooculofacioskeletal syndrome 1 (COFS1). Also called: Cerebro-oculo-facio-skeletal syndrome 1. Identifiers: MedGen C0220722, MONDO:0008955, OMIM 214150.
Age related macular degeneration 5. Identifiers: MedGen C3151063, MONDO:0013409, OMIM 613761.
Cockayne syndrome type 2 (CSB). Also called: COCKAYNE SYNDROME B; Cockayne Syndrome, Type II. Identifiers: Orphanet 191, Orphanet 90322, MedGen C0751038, MONDO:0019570, OMIM 133540.

Allele frequency attached by ClinVar (database versions not stated): 1000 Genomes Project 30x 0.01249; TOPMed 0.01261; 1000 Genomes Project 0.01278.
gnomAD v4.1: 3,607 of 1,613,920 alleles (0.22%); highest among the groups gnomAD compares: African/African-American, 4.4%; 79 homozygotes.

Submissions (12):

Labcorp Genetics (formerly Invitae), Labcorp
Classification: Benign. Last evaluated: 2026-02-02. Review status: criteria provided, single submitter. Criteria: Invitae Variant Classification Sherloc (09022015). Collection method: clinical testing. Allele origin: germline.

CeGaT Center for Human Genetics Tuebingen
Classification: Benign. Last evaluated: 2024-06-01. Review status: criteria provided, single submitter. Criteria: CeGaT Center For Human Genetics Tuebingen Variant Classification Criteria Version 2. Collection method: clinical testing. Allele origin: germline. Affected: yes. Observed: 2 variant alleles.
Comment: ERCC6: BP4, BS1, BS2

Mendelics
Classification: Benign for DE SANCTIS-CACCHIONE SYNDROME. Last evaluated: 2023-08-22. Review status: criteria provided, single submitter. Criteria: Mendelics Assertion Criteria 2019. Collection method: clinical testing. Allele origin: germline.

Women's Health and Genetics/Laboratory Corporation of America, LabCorp
Classification: Likely benign. Last evaluated: 2021-12-10. Review status: criteria provided, single submitter. Criteria: LabCorp Variant Classification Summary - May 2015. Collection method: clinical testing. Allele origin: germline.

GeneDx
Classification: Benign. Last evaluated: 2021-01-21. Review status: criteria provided, single submitter. Criteria: GeneDx Variant Classification Process June 2021. Collection method: clinical testing. Allele origin: germline. Affected: yes.
Comment: This variant is associated with the following publications: (PMID: 9443879, 20981092, 22995991)

Eurofins Ntd Llc (ga)
Classification: Benign. Last evaluated: 2018-09-11. Review status: criteria provided, single submitter. Criteria: EGL ClinVar v180209 classification definitions. Collection method: clinical testing. Allele origin: germline. Observed: 1 variant allele, 1 heterozygote.

Illumina Laboratory Services, Illumina
Classification: Likely benign for Cerebrooculofacioskeletal syndrome 1. Last evaluated: 2017-04-27. Review status: criteria provided, single submitter. Criteria: ICSL Variant Classification Criteria 13 December 2019. Collection method: clinical testing. Allele origin: germline.
Comment: This variant was observed as part of a predisposition screen in an ostensibly healthy population. A literature search was performed for the gene, cDNA change, and amino acid change (where applicable). No publications were found based on this search. Allele frequency data from public databases allowed determination this variant is unlikely to cause disease. Therefore, this variant is classified as likely benign.

Illumina Laboratory Services, Illumina
Classification: Likely benign for Cockayne syndrome type 2. Last evaluated: 2017-04-27. Review status: criteria provided, single submitter. Criteria: ICSL Variant Classification Criteria 13 December 2019. Collection method: clinical testing. Allele origin: germline.
Comment: This variant was observed as part of a predisposition screen in an ostensibly healthy population. A literature search was performed for the gene, cDNA change, and amino acid change (where applicable). Publications were found based on this search. The evidence from the literature, in combination with allele frequency data from public databases where available, was sufficient to determine this variant is unlikely to cause disease. Therefore, this variant is classified as likely benign.

Illumina Laboratory Services, Illumina
Classification: Likely benign for Age related macular degeneration 5. Last evaluated: 2017-04-27. Review status: criteria provided, single submitter. Criteria: ICSL Variant Classification Criteria 13 December 2019. Collection method: clinical testing. Allele origin: germline.
Comment: the same text as in the submission from Illumina Laboratory Services, Illumina above.

Center for Pediatric Genomic Medicine, Children's Mercy Hospital and Clinics
Classification: Likely benign. Last evaluated: 2014-09-15. Review status: criteria provided, single submitter. Criteria: ACMG Guidelines, 2015. Collection method: clinical testing. Allele origin: germline.
ClinVar note: Converted during submission from Likely Benign to Likely benign.

Claritas Genomics
Classification: Uncertain significance. Last evaluated: 2013-08-26. Review status: criteria provided, single submitter. Criteria: ACMG Guidelines, 2007. Collection method: clinical testing. Allele origin: germline. Inheritance: Autosomal recessive inheritance.

OMIM
Classification: Uncertain significance for RECLASSIFIED - VARIANT OF UNKNOWN SIGNIFICANCE. Last evaluated: 1998-01-01. Review status: no assertion criteria provided. Collection method: literature only. Allele origin: germline. Not counted in ClinVar's aggregate classification.

Literature cited by the submitters: PubMed 19894250 (cited by Illumina Laboratory Services, Illumina); PubMed 9443879 (cited by Illumina Laboratory Services, Illumina and OMIM); PubMed 23422418 (cited by Illumina Laboratory Services, Illumina); Hamosh, A. Personal Communication. 2016. Baltimore, Md. (cited by OMIM).

NM_000124.4(ERCC6):c.3284C>G (p.Pro1095Arg)

Gene: ERCC6 (ERCC excision repair 6, chromatin remodeling factor; minus strand). Cytogenetic location: 10q11.23.
Variant type: single nucleotide variant.
Coding change: c.3284C>G on transcript NM_000124.4 (MANE Select); coding-DNA position 3284, C replaced by G.
Protein change: p.Pro1095Arg; replaces proline 1095 with arginine.
Molecular consequence: missense variant.
Genome position (GRCh38, 1-based): chr10:49,470,676, G>C on the plus strand (C>G on the coding strand, the complement: ERCC6 is on the minus strand). VCF-style: chr10-49470676-G-C. GRCh37 (hg19) VCF-style: chr10-50678722-G-C.
Other names: c.3284C>G, p.Pro1095Arg (NM_001346440.2); short protein forms P1095R.
Identifiers: ClinVar variation 1707 (VCV000001707.50), dbSNP rs4253208, ClinGen allele CA199597.